The following is an entry in ClinVar:

NM_000257.4(MYH7):c.3505G>A (p.Ala1169Thr)

Gene: MYH7 (myosin heavy chain 7; minus strand). Cytogenetic location: 14q11.2.
Variant type: single nucleotide variant.
Coding change: c.3505G>A on transcript NM_000257.4 (MANE Select); coding-DNA position 3505, G replaced by A.
Protein change: p.Ala1169Thr; replaces alanine 1169 with threonine.
Molecular consequence: missense variant.
Genome position (GRCh38, 1-based): chr14:23,420,066, C>T on the plus strand (G>A on the coding strand, the complement: MYH7 is on the minus strand). VCF-style: chr14-23420066-C-T. GRCh37 (hg19) VCF-style: chr14-23889275-C-T.
Other names: short protein forms A1169T.
Identifiers: ClinVar variation 1493424 (VCV001493424.6), dbSNP rs758666816, ClinGen allele CA037700.
Genomic context (GRCh38, chr14:23,420,066, plus strand): 5'-CAGTGGCCTCGTGCTGCAGCGTGGCCTCCTCCAGGTCCCGCCGCATCTTCTGGAACTCGG[C>T]CTCGCGCTTCTTGTTCATCTCGATCTGCACGGACGTGGCCCCGCCGGCCTCTTCCAGCCG-3'
Protein context (NP_000248.2, residues 1159-1179): VQIEMNKKRE[Ala1169Thr]EFQKMRRDLE

ClinVar aggregate classification (germline): Uncertain significance (1 of 4 stars; one submission).

Conditions:
Hypertrophic cardiomyopathy. Also called: HYPERTROPHIC MYOCARDIOPATHY. Identifiers: Orphanet 217569, MedGen C0007194, MeSH D002312, MONDO:0005045, HP:0001639.

Allele frequency attached by ClinVar (database versions not stated): gnomAD exomes below 0.00001; ExAC 0.00001.

Submission:

Labcorp Genetics (formerly Invitae), Labcorp
Classification: Uncertain significance for Hypertrophic cardiomyopathy. Last evaluated: 2025-09-04. Review status: criteria provided, single submitter. Criteria: Invitae Variant Classification Sherloc (09022015). Collection method: clinical testing. Allele origin: germline.
Comment: This sequence change replaces alanine, which is neutral and non-polar, with threonine, which is neutral and polar, at codon 1169 of the MYH7 protein (p.Ala1169Thr). This variant is present in population databases (rs758666816, gnomAD 0.006%). This variant has not been reported in the literature in individuals affected with MYH7-related conditions. ClinVar contains an entry for this variant (Variation ID: 1493424). Invitae Evidence Modeling of protein sequence and biophysical properties (such as structural, functional, and spatial information, amino acid conservation, physicochemical variation, residue mobility, and thermodynamic stability) indicates that this missense variant is not expected to disrupt MYH7 protein function with a negative predictive value of 95%. In summary, the available evidence is currently insufficient to determine the role of this variant in disease. Therefore, it has been classified as a Variant of Uncertain Significance.